The following is an entry in ClinVar:

NM_000518.5(HBB):c.316-37G>T

Genes: HBB (hemoglobin subunit beta; minus strand), LOC107133510 (origin of replication at HBB; plus strand), LOC110006319 (beta-globin gene 3' regulatory region; plus strand). Cytogenetic location: 11p15.4.
Variant type: single nucleotide variant.
Coding change: c.316-37G>T on transcript NM_000518.5 (MANE Select); 37 bases into the intron before coding-DNA position 316, G replaced by T.
Molecular consequence: intron variant.
Genome position (GRCh38, 1-based): chr11:5,225,763, C>A on the plus strand (G>T on the coding strand, the complement: HBB is on the minus strand). VCF-style: chr11-5225763-C-A. GRCh37 (hg19) VCF-style: chr11-5246993-C-A.
Identifiers: ClinVar variation 36318 (VCV000036318.84), dbSNP rs193922559, ClinGen allele CA342863.

ClinVar aggregate classification (germline): Benign/Likely benign. Review status: criteria provided, multiple submitters, no conflicts (2 of 4 stars). 4 submissions from 4 submitters: Benign (2); Likely benign (2). Last evaluated 2026-02-04.

Conditions:
HBB-related disorder. Also called: HBB-related disorders; HBB-related condition. Identifiers: MedGen CN239378.

Allele frequency attached by ClinVar (database versions not stated): gnomAD exomes 0.00005 and 0.00022; ExAC 0.00029; ESP Exome Variant Server 0.00038; gnomAD 0.00054 and 0.00058; TOPMed 0.00065; 1000 Genomes Project 0.00100; 1000 Genomes Project 30x 0.00109.
gnomAD v4.1: 159 of 1,611,886 alleles (0.0099%); highest among the groups gnomAD compares: African/African-American, 0.19%; no homozygotes.

Submissions (4):

Labcorp Genetics (formerly Invitae), Labcorp
Classification: Benign. Last evaluated: 2026-02-04. Review status: criteria provided, single submitter. Criteria: Invitae Variant Classification Sherloc (09022015). Collection method: clinical testing. Allele origin: germline.

PreventionGenetics, part of Exact Sciences
Classification: Likely benign for HBB-related condition. Last evaluated: 2025-06-18. Review status: criteria provided, single submitter. Criteria: ACMG Guidelines, 2015. Collection method: clinical testing. Allele origin: germline.
Comment: This variant is classified as likely benign based on ACMG/AMP sequence variant interpretation guidelines (Richards et al. 2015 PMID: 25741868, with internal and published modifications).

Women's Health and Genetics/Laboratory Corporation of America, LabCorp
Classification: Benign. Last evaluated: 2022-05-06. Review status: criteria provided, single submitter. Criteria: LabCorp Variant Classification Summary - May 2015. Collection method: clinical testing. Allele origin: germline.
Comment: Variant summary: HBB c.316-37G>T is located at a deep intronic position, affecting a non-conserved nucleotide. 4/4 computational tools predict no significant impact on normal splicing. However, these predictions have yet to be confirmed by functional studies. The variant allele was found at a frequency of 0.00025 in 281734 control chromosomes, predominantly at a frequency of 0.0027 within the African or African-American subpopulation in the gnomAD database. This frequency is somewhat lower than the estimated maximum expected for a pathogenic variant in HBB causing Hemoglobinopathy (0.011), allowing no conclusion about variant significance. The variant, c.316-37G>T, has been reported in the literature in an individual affected with mild B-thalassemia trait (Mason_2016), however this individual also carried a common pathogenic HBB variant (c.-79A>G; phase not specified), which could explain the phenotype. Four samples tested internally by our laboratory have been found to carry the variant, c.316-37G>T, in addition to two pathogenic HBB mutations, providing supporting evidence for a benign role. To our knowledge, no experimental evidence demonstrating an impact on protein function has been reported. Two other clinical diagnostic laboratories have submitted clinical-significance assessments for this variant to ClinVar after 2014 without evidence for independent evaluation, and classified the variant as benign (n=1) or likely benign(n=1). Based on the evidence outlined above, the variant was classified as benign.

ARUP Laboratories, Molecular Genetics and Genomics, ARUP Laboratories
Classification: Likely benign. Last evaluated: 2019-12-05. Review status: criteria provided, single submitter. Criteria: ARUP Molecular Germline Variant Investigation Process. Collection method: clinical testing. Allele origin: germline.

Literature cited by the submitters: PubMed 26123225 (cited by Women's Health and Genetics/Laboratory Corporation of America, LabCorp).